The following is an entry in ClinVar:

NM_017636.4(TRPM4):c.3439C>T (p.Arg1147Cys)

Gene: TRPM4 (transient receptor potential cation channel subfamily M member 4; plus strand). Cytogenetic location: 19q13.33.
Variant type: single nucleotide variant.
Coding change: c.3439C>T on transcript NM_017636.4 (MANE Select); coding-DNA position 3439, C replaced by T.
Protein change: p.Arg1147Cys; replaces arginine 1147 with cysteine.
Molecular consequence: missense variant.
Genome position (GRCh38, 1-based): chr19:49,210,820, C>T. VCF-style: chr19-49210820-C-T. GRCh37 (hg19) VCF-style: chr19-49714077-C-T.
Other names: c.3004C>T, p.Arg1002Cys (NM_001195227.2); c.3094C>T, p.Arg1032Cys (NM_001321281.2); c.1831C>T, p.Arg611Cys (NM_001321282.2); c.2917C>T, p.Arg973Cys (NM_001321283.2); c.2377C>T, p.Arg793Cys (NM_001321285.2); short protein forms R1002C, R1032C, R1147C, R973C, R611C, R793C.
Identifiers: ClinVar variation 2083747 (VCV002083747.4), dbSNP rs781722830, ClinGen allele CA9569903.
Genomic context (GRCh38, chr19:49,210,820, plus strand): 5'-GTGCATAAGGAGAACTTTCTGCTGGCACGCGCTAGGGACAAGCGGGAGAGCGACTCCGAG[C>T]GTCTGAAGCGCACGTCCCAGAAGTGAGAGCGGGGCCTGGTCGGGGATGGGGCTTCTGGCC-3'
Protein context (NP_060106.2, residues 1137-1157): ARDKRESDSE[Arg1147Cys]LKRTSQKVDL

ClinVar aggregate classification (germline): Uncertain significance (1 of 4 stars; one submission).

Conditions:
Progressive familial heart block type IB (PFHB1B). Identifiers: Orphanet 871, MedGen C1970298, MONDO:0011474, OMIM 604559.

Allele frequency attached by ClinVar (database versions not stated): gnomAD exomes 0.00001; ExAC 0.00002; TOPMed 0.00002.
gnomAD v4.1: 5 of 1,612,416 alleles (0.00031%); highest among the groups gnomAD compares: East Asian, 0.0067%; no homozygotes.

Submission:

Labcorp Genetics (formerly Invitae), Labcorp
Classification: Uncertain significance for Progressive familial heart block type IB. Last evaluated: 2022-05-22. Review status: criteria provided, single submitter. Criteria: Invitae Variant Classification Sherloc (09022015). Collection method: clinical testing. Allele origin: germline.
Comment: This variant has not been reported in the literature in individuals affected with TRPM4-related conditions. This variant is present in population databases (rs781722830, gnomAD 0.02%). This sequence change replaces arginine, which is basic and polar, with cysteine, which is neutral and slightly polar, at codon 1147 of the TRPM4 protein (p.Arg1147Cys). Algorithms developed to predict the effect of missense changes on protein structure and function are either unavailable or do not agree on the potential impact of this missense change (SIFT: "Deleterious"; PolyPhen-2: "Benign"; Align-GVGD: "Class C0"). In summary, the available evidence is currently insufficient to determine the role of this variant in disease. Therefore, it has been classified as a Variant of Uncertain Significance.